The following is an entry in ClinVar:

NM_002335.4(LRP5):c.3569G>A (p.Arg1190His)

Gene: LRP5 (LDL receptor related protein 5; plus strand). Cytogenetic location: 11q13.2.
Variant type: single nucleotide variant.
Coding change: c.3569G>A on transcript NM_002335.4 (MANE Select); coding-DNA position 3569, G replaced by A.
Protein change: p.Arg1190His; replaces arginine 1190 with histidine.
Molecular consequence: missense variant.
Genome position (GRCh38, 1-based): chr11:68,426,119, G>A. VCF-style: chr11-68426119-G-A. GRCh37 (hg19) VCF-style: chr11-68193587-G-A.
Other names: c.1826G>A, p.Arg609His (NM_001291902.2); c.3569G>A (NM_002335.3); short protein forms R609H, R1190H.
Identifiers: ClinVar variation 1944255 (VCV001944255.7), dbSNP rs372205313, ClinGen allele CA6150036.

ClinVar aggregate classification (germline): Uncertain significance. Review status: criteria provided, multiple submitters, no conflicts (2 of 4 stars). 3 submissions from 3 submitters: Uncertain significance (3). Last evaluated 2026-08-06.

Conditions:
LRP5-related disorder. Also called: LRP5-related condition.

Allele frequency attached by ClinVar (database versions not stated): ESP Exome Variant Server 0.00008.
gnomAD v4.1: 7 of 1,613,094 alleles (0.00043%); highest among the groups gnomAD compares: East Asian, 0.0045%; no homozygotes.

Submissions (3):

PreventionGenetics, part of Exact Sciences
Classification: Uncertain significance for LRP5-related condition. Last evaluated: 2026-08-06. Review status: criteria provided, single submitter. Criteria: ACMG Guidelines, 2015. Collection method: clinical testing. Allele origin: germline.
Comment: The LRP5 c.3569G>A variant is predicted to result in the amino acid substitution p.Arg1190His. This variant has been reported in the compound heterozygous state in an individual with familial exudative vitreoretinopathy, and the heterozygous carrier parents were both reported to be affected (Kondo et al. 2024. PubMed ID: 38881609). This variant is reported in 0.018% of alleles in individuals of African descent in gnomAD. At this time, the clinical significance of this variant is uncertain due to the absence of conclusive functional and genetic evidence.

Labcorp Genetics (formerly Invitae), Labcorp
Classification: Uncertain significance. Last evaluated: 2025-08-10. Review status: criteria provided, single submitter. Criteria: Invitae Variant Classification Sherloc (09022015). Collection method: clinical testing. Allele origin: germline.
Comment: This sequence change replaces arginine, which is basic and polar, with histidine, which is basic and polar, at codon 1190 of the LRP5 protein (p.Arg1190His). This variant is present in population databases (rs372205313, gnomAD 0.01%). This variant has not been reported in the literature in individuals affected with LRP5-related conditions. ClinVar contains an entry for this variant (Variation ID: 1944255). Invitae Evidence Modeling of protein sequence and biophysical properties (such as structural, functional, and spatial information, amino acid conservation, physicochemical variation, residue mobility, and thermodynamic stability) indicates that this missense variant is not expected to disrupt LRP5 protein function with a negative predictive value of 95%. In summary, the available evidence is currently insufficient to determine the role of this variant in disease. Therefore, it has been classified as a Variant of Uncertain Significance.

Blueprint Genetics
Classification: Uncertain significance. Last evaluated: 2022-10-07. Review status: criteria provided, single submitter. Criteria: ACMG Guidelines, 2015. Collection method: clinical testing. Allele origin: germline.